The following is an entry in ClinVar:

ClinVar aggregate classification (germline): Likely benign. Review status: criteria provided, multiple submitters, no conflicts (2 of 4 stars). 6 submissions from 6 submitters: Likely benign (6). Last evaluated 2025-05-30.

Conditions:
Cardiovascular phenotype. Identifiers: MedGen CN230736.
Hypertrophic cardiomyopathy 14. Identifiers: MedGen C2750467, MONDO:0013197, OMIM 613251.
MYH6-related disorder. Also called: MYH6-related condition; MYH6-Related Disorders.

Allele frequency attached by ClinVar (database versions not stated): ExAC 0.00002; TOPMed 0.00002; gnomAD 0.00003; gnomAD exomes 0.00003 and 0.00007; ESP Exome Variant Server 0.00008.
gnomAD v4.1: 101 of 1,613,952 alleles (0.0063%); highest among the groups gnomAD compares: Middle Eastern, 0.016%; 1 homozygote.

Submissions (6):

Labcorp Genetics (formerly Invitae), Labcorp
Classification: Likely benign for Hypertrophic cardiomyopathy 14. Last evaluated: 2025-05-30. Review status: criteria provided, single submitter. Criteria: Invitae Variant Classification Sherloc (09022015). Collection method: clinical testing. Allele origin: germline.

PreventionGenetics, part of Exact Sciences
Classification: Likely benign for MYH6-related condition. Last evaluated: 2025-05-16. Review status: criteria provided, single submitter. Criteria: ACMG Guidelines, 2015. Collection method: clinical testing. Allele origin: germline.
Comment: This variant is classified as likely benign based on ACMG/AMP sequence variant interpretation guidelines (Richards et al. 2015 PMID: 25741868, with internal and published modifications).

Blueprint Genetics
Classification: Likely benign. Last evaluated: 2024-07-24. Review status: criteria provided, single submitter. Criteria: ACMG Guidelines, 2015. Collection method: clinical testing. Allele origin: germline.

Women's Health and Genetics/Laboratory Corporation of America, LabCorp
Classification: Likely benign. Last evaluated: 2022-04-05. Review status: criteria provided, single submitter. Criteria: LabCorp Variant Classification Summary - May 2015. Collection method: clinical testing. Allele origin: germline.
Comment: Variant summary: MYH6 c.4464C>T alters a conserved nucleotide resulting in a synonymous change. 4/4 computational tools predict no significant impact on normal splicing. However, these predictions have yet to be confirmed by functional studies. The variant allele was found at a frequency of 3.2e-05 in 251418 control chromosomes in the gnomAD database, including 1 homozygote. To our knowledge, no occurrence of c.4464C>T in individuals affected with Cardiomyopathy and no experimental evidence demonstrating its impact on protein function have been reported. A ClinVar submitter (evaluation after 2014) cites the variant as likely benign. Based on the evidence outlined above, the variant was classified as likely benign.

Ambry Genetics
Classification: Likely benign for Cardiovascular phenotype. Last evaluated: 2021-04-29. Review status: criteria provided, single submitter. Criteria: Ambry Variant Classification Scheme 2023. Collection method: clinical testing. Allele origin: germline.

GeneDx
Classification: Likely benign. Last evaluated: 2019-03-18. Review status: criteria provided, single submitter. Criteria: GeneDx Variant Classification Process June 2021. Collection method: clinical testing. Allele origin: germline. Affected: yes.

NM_002471.4(MYH6):c.4464C>T (p.Asn1488=)

Gene: MYH6 (myosin heavy chain 6; minus strand). Cytogenetic location: 14q11.2.
Variant type: single nucleotide variant.
Coding change: c.4464C>T on transcript NM_002471.4 (MANE Select); coding-DNA position 4464, C replaced by T.
Protein change: p.Asn1488=; no amino-acid change (asparagine 1488 retained).
Molecular consequence: synonymous variant.
Genome position (GRCh38, 1-based): chr14:23,387,819, G>A on the plus strand (C>T on the coding strand, the complement: MYH6 is on the minus strand). VCF-style: chr14-23387819-G-A. GRCh37 (hg19) VCF-style: chr14-23857028-G-A.
Identifiers: ClinVar variation 1193946 (VCV001193946.15), dbSNP rs376781285, ClinGen allele CA7114758.
Genomic context (GRCh38, chr14:23,387,819, plus strand): 5'-CTGAAGGTTCTTGTTCTCCCGCTTGAAGGTCTCTAGGTGCTCCAGGGACTCCTCGTAGGC[G>A]TTCTTGAGCTTGAAGAGCTCTGTGCTGAGGGAGCGAGCCTCCTTCTGTGAGGACTCCAGC-3'
Protein context (NP_002462.2, residues 1478-1498): SLSTELFKLK[Asn1488=]AYEESLEHLE